The following is an entry in ClinVar:

NM_000548.5(TSC2):c.848+3G>T

Gene: TSC2 (TSC complex subunit 2; plus strand). Cytogenetic location: 16p13.3.
Variant type: single nucleotide variant.
Coding change: c.848+3G>T on transcript NM_000548.5 (MANE Select); 3 bases into the intron after coding-DNA position 848, G replaced by T.
Molecular consequence: intron variant.
Genome position (GRCh38, 1-based): chr16:2,057,181, G>T. VCF-style: chr16-2057181-G-T. GRCh37 (hg19) VCF-style: chr16-2107182-G-T.
Other names: c.-584+3G>T (NM_001406693.1, NM_001406689.1, NM_001406690.1 and 4 more transcripts); c.938+3G>T (NM_001406667.1, NM_001406668.1); c.248+3G>T (NM_001406680.1, NM_001406683.1, NM_001406687.1 and 6 more transcripts); c.-760+3G>T (NM_001406698.1); c.848+3G>T (NM_001114382.3, NM_001406663.1, NM_001406664.1 and 6 more transcripts); c.-465+3G>T (NM_001406694.1, NM_001406695.1); c.836+3G>T (NM_001406671.1, NM_001406673.1); c.386+3G>T (NM_001406681.1); and 4 more.
Identifiers: ClinVar variation 3462617 (VCV003462617.1).

ClinVar aggregate classification (germline): Uncertain significance (1 of 4 stars; one submission).

Conditions:
Hereditary cancer-predisposing syndrome. Also called: Tumor predisposition; Neoplastic Syndromes, Hereditary; Hereditary neoplastic syndrome; Hereditary Cancer Syndrome. Identifiers: Orphanet 140162, MedGen C0027672, MeSH D009386, MONDO:0015356.

Submission:

Ambry Genetics
Classification: Uncertain significance for Hereditary cancer-predisposing syndrome. Last evaluated: 2024-09-18. Review status: criteria provided, single submitter. Criteria: Ambry Variant Classification Scheme 2023. Collection method: clinical testing. Allele origin: germline.
Comment: The c.848+3G>T intronic variant results from a G to T substitution 3 nucleotides after coding exon 8 in the TSC2 gene. This nucleotide position is not well conserved in available vertebrate species. In silico splice site analysis predicts that this alteration will not have any significant effect on splicing. Based on the available evidence, the clinical significance of this variant remains unclear.